The following is an entry in ClinVar:

NM_001609.4(ACADSB):c.733C>T (p.His245Tyr)

Gene: ACADSB (acyl-CoA dehydrogenase short/branched chain; plus strand). Cytogenetic location: 10q26.13.
Variant type: single nucleotide variant.
Coding change: c.733C>T on transcript NM_001609.4 (MANE Select); coding-DNA position 733, C replaced by T.
Protein change: p.His245Tyr; replaces histidine 245 with tyrosine.
Molecular consequence: missense variant.
Genome position (GRCh38, 1-based): chr10:123,043,097, C>T. VCF-style: chr10-123043097-C-T. GRCh37 (hg19) VCF-style: chr10-124802613-C-T.
Other names: c.427C>T, p.His143Tyr (NM_001330174.3); short protein forms H245Y, H143Y.
Identifiers: ClinVar variation 1392942 (VCV001392942.8), dbSNP rs761098384, ClinGen allele CA5730800.

ClinVar aggregate classification (germline): Uncertain significance (1 of 4 stars; one submission).

Conditions:
Deficiency of 2-methylbutyryl-CoA dehydrogenase (ACADSB). Also called: 2-methylbutyryl-CoA dehydrogenase deficiency; SBCAD deficiency; 2-methylbutyric aciduria; Short branched-chain acyl-CoA dehydrogenase deficiency; 2-methylbutyrylglycinuria. Identifiers: Orphanet 79157, MedGen C1864912, MONDO:0012392, OMIM 610006, HP:0020147.

Allele frequency attached by ClinVar (database versions not stated): gnomAD exomes 0.00001 and 0.00004; ExAC 0.00002.
gnomAD v4.1: 22 of 1,613,932 alleles (0.0014%); highest among the groups gnomAD compares: South Asian, 0.023%; no homozygotes.

Submission:

Labcorp Genetics (formerly Invitae), Labcorp
Classification: Uncertain significance for Deficiency of 2-methylbutyryl-CoA dehydrogenase. Last evaluated: 2025-12-01. Review status: criteria provided, single submitter. Criteria: Invitae Variant Classification Sherloc (09022015). Collection method: clinical testing. Allele origin: germline.
Comment: This sequence change replaces histidine, which is basic and polar, with tyrosine, which is neutral and polar, at codon 245 of the ACADSB protein (p.His245Tyr). This variant is present in population databases (rs761098384, gnomAD 0.03%). This variant has not been reported in the literature in individuals affected with ACADSB-related conditions. ClinVar contains an entry for this variant (Variation ID: 1392942). Invitae Evidence Modeling of protein sequence and biophysical properties (such as structural, functional, and spatial information, amino acid conservation, physicochemical variation, residue mobility, and thermodynamic stability) has been performed for this missense variant. However, the output from this modeling did not meet the statistical confidence thresholds required to predict the impact of this variant on ACADSB protein function. Algorithms developed to predict the effect of sequence changes on RNA splicing suggest that this variant may disrupt the consensus splice site. In summary, the available evidence is currently insufficient to determine the role of this variant in disease. Therefore, it has been classified as a Variant of Uncertain Significance.